The following is an entry in ClinVar:

NM_015338.6(ASXL1):c.3055A>G (p.Arg1019Gly)

Gene: ASXL1 (ASXL transcriptional regulator 1; plus strand). Cytogenetic location: 20q11.21.
Variant type: single nucleotide variant.
Coding change: c.3055A>G on transcript NM_015338.6 (MANE Select); coding-DNA position 3055, A replaced by G.
Protein change: p.Arg1019Gly; replaces arginine 1019 with glycine.
Molecular consequence: missense variant.
Genome position (GRCh38, 1-based): chr20:32,435,767, A>G. VCF-style: chr20-32435767-A-G. GRCh37 (hg19) VCF-style: chr20-31023570-A-G.
Other names: c.2872A>G, p.Arg958Gly (NM_001363734.1); short protein forms R958G, R1019G.
Identifiers: ClinVar variation 3678866 (VCV003678866.3).
Genomic context (GRCh38, chr20:32,435,767, plus strand): 5'-ACGGATACAGCCTCTGACTTTGAAGGTCACCTCACGGAGGACAGCAGTGAGGCTGACACT[A>G]GAGAAGCTGCAGTGACAAAGGGATCTTCGGTGGACAAGGATGAGAAACCCAATTGGAACC-3'
Protein context (NP_056153.2, residues 1009-1029): LTEDSSEADT[Arg1019Gly]EAAVTKGSSV

ClinVar aggregate classification (germline): Uncertain significance. Review status: criteria provided, multiple submitters, no conflicts (2 of 4 stars). 2 submissions from 2 submitters: Uncertain significance (2). Last evaluated 2025-01-06.

Conditions:
Inborn genetic diseases. Identifiers: MedGen C0950123, MeSH D030342.

gnomAD v4.1: 4 of 1,613,976 alleles (0.00025%); highest among the groups gnomAD compares: Non-Finnish European, 0.00034%; no homozygotes.

Submissions (2):

Ambry Genetics
Classification: Uncertain significance for Inborn genetic diseases. Last evaluated: 2025-01-06. Review status: criteria provided, single submitter. Criteria: Ambry Variant Classification Scheme 2023. Collection method: clinical testing. Allele origin: germline.
Comment: The p.R1019G variant (also known as c.3055A>G), located in coding exon 13 of the ASXL1 gene, results from an A to G substitution at nucleotide position 3055. The arginine at codon 1019 is replaced by glycine, an amino acid with dissimilar properties. This amino acid position is conserved. In addition, this alteration is predicted to be tolerated by in silico analysis. Based on the available evidence, the clinical significance of this variant remains unclear.

Labcorp Genetics (formerly Invitae), Labcorp
Classification: Uncertain significance. Last evaluated: 2024-12-17. Review status: criteria provided, single submitter. Criteria: Invitae Variant Classification Sherloc (09022015). Collection method: clinical testing. Allele origin: germline.
Comment: This sequence change replaces arginine, which is basic and polar, with glycine, which is neutral and non-polar, at codon 1019 of the ASXL1 protein (p.Arg1019Gly). This variant is not present in population databases (gnomAD no frequency). This variant has not been reported in the literature in individuals affected with ASXL1-related conditions. An algorithm developed to predict the effect of missense changes on protein structure and function outputs the following: PolyPhen-2: "Benign". The glycine amino acid residue is found in multiple mammalian species, which suggests that this missense change does not adversely affect protein function. In summary, the available evidence is currently insufficient to determine the role of this variant in disease. Therefore, it has been classified as a Variant of Uncertain Significance.